The following is an entry in ClinVar:

NM_001256789.3(CACNA1F):c.3967A>G (p.Ile1323Val)

Gene: CACNA1F (calcium voltage-gated channel subunit alpha1 F; minus strand). Cytogenetic location: Xp11.23.
Variant type: single nucleotide variant.
Coding change: c.3967A>G on transcript NM_001256789.3 (MANE Select); coding-DNA position 3967, A replaced by G.
Protein change: p.Ile1323Val; replaces isoleucine 1323 with valine.
Molecular consequence: missense variant.
Genome position (GRCh38, 1-based): chrX:49,212,284, T>C on the plus strand (A>G on the coding strand, the complement: CACNA1F is on the minus strand). VCF-style: chrX-49212284-T-C. GRCh37 (hg19) VCF-style: chrX-49068744-T-C.
Other names: c.3805A>G, p.Ile1269Val (NM_001256790.3); c.4000A>G, p.Ile1334Val (NM_005183.4); short protein forms I1269V, I1323V, I1334V.
Identifiers: ClinVar variation 964466 (VCV000964466.10), dbSNP rs372570490, ClinGen allele CA10410298.

ClinVar aggregate classification (germline): Uncertain significance. Review status: criteria provided, multiple submitters, no conflicts (2 of 4 stars). 2 submissions from 2 submitters: Uncertain significance (2). Last evaluated 2026-01-26.

Allele frequency attached by ClinVar (database versions not stated): gnomAD 0.00001; gnomAD exomes 0.00001 and 0.00003; TOPMed 0.00001; ExAC 0.00007; ESP Exome Variant Server 0.00009.
gnomAD v4.1: 8 of 1,205,928 alleles (0.00066%); highest among the groups gnomAD compares: East Asian, 0.0059%; no homozygotes.

Submissions (2):

Labcorp Genetics (formerly Invitae), Labcorp
Classification: Uncertain significance. Last evaluated: 2026-01-26. Review status: criteria provided, single submitter. Criteria: Invitae Variant Classification Sherloc (09022015). Collection method: clinical testing. Allele origin: germline.
Comment: This sequence change replaces isoleucine, which is neutral and non-polar, with valine, which is neutral and non-polar, at codon 1334 of the CACNA1F protein (p.Ile1334Val). This variant is present in population databases (rs372570490, gnomAD 0.007%). This variant has not been reported in the literature in individuals affected with CACNA1F-related conditions. ClinVar contains an entry for this variant (Variation ID: 964466). Invitae Evidence Modeling of protein sequence and biophysical properties (such as structural, functional, and spatial information, amino acid conservation, physicochemical variation, residue mobility, and thermodynamic stability) has been performed for this missense variant. However, the output from this modeling did not meet the statistical confidence thresholds required to predict the impact of this variant on CACNA1F protein function. In summary, the available evidence is currently insufficient to determine the role of this variant in disease. Therefore, it has been classified as a Variant of Uncertain Significance.

Blueprint Genetics
Classification: Uncertain significance. Last evaluated: 2022-01-07. Review status: criteria provided, single submitter. Criteria: ACMG Guidelines, 2015. Collection method: clinical testing. Allele origin: germline.